The following is an entry in ClinVar:

NM_175914.5(HNF4A):c.785A>G (p.Asn262Ser)

Gene: HNF4A (hepatocyte nuclear factor 4 alpha; plus strand). Cytogenetic location: 20q13.12.
Variant type: single nucleotide variant.
Coding change: c.785A>G on transcript NM_175914.5 (MANE Select); coding-DNA position 785, A replaced by G.
Protein change: p.Asn262Ser; replaces asparagine 262 with serine.
Molecular consequence: missense variant.
Genome position (GRCh38, 1-based): chr20:44,419,835, A>G. VCF-style: chr20-44419835-A-G. GRCh37 (hg19) VCF-style: chr20-43048475-A-G.
Other names: c.785A>G (NM_175914.3); c.851A>G, p.Asn284Ser (NM_000457.6, NM_178849.3, NM_178850.3); c.785A>G, p.Asn262Ser (NM_001030003.3, NM_001030004.3); c.830A>G, p.Asn277Ser (NM_001258355.2); c.776A>G, p.Asn259Ser (NM_001287182.2, NM_001287183.2, NM_001287184.2); short protein forms N259S, N262S, N277S, N284S.
Identifiers: ClinVar variation 4710584 (VCV004710584.3).
Genomic context (GRCh38, chr20:44,419,835, plus strand): 5'-TGTCCATACGCATCCTTGACGAGCTGGTGCTGCCCTTCCAGGAGCTGCAGATCGATGACA[A>G]TGAGTATGCCTACCTCAAAGCCATCATCTTCTTTGACCCAGGTACAGTGCACACCTCCTA-3'
Protein context (NP_787110.2, residues 252-272): LPFQELQIDD[Asn262Ser]EYAYLKAIIF

ClinVar aggregate classification (germline): Uncertain significance. Review status: criteria provided, multiple submitters, no conflicts (2 of 4 stars). 3 submissions from 3 submitters: Uncertain significance (3). Last evaluated 2026-02-13.

Conditions:
HNF4A-related disorder. Also called: HNF4A-related condition.

Submissions (3):

PreventionGenetics, part of Exact Sciences
Classification: Uncertain significance for HNF4A-related condition. Last evaluated: 2026-02-13. Review status: criteria provided, single submitter. Criteria: ACMG Guidelines, 2015. Collection method: clinical testing. Allele origin: germline.
Comment: The HNF4A c.785A>G variant is predicted to result in the amino acid substitution p.Asn262Ser. This variant has been reported in an individual with maturity-onset diabetes of the young (MODY) (Colclough et al. 2013. PubMed ID: 23348805). This variant has not been reported in a large population database (gnomAD), indicating this variant is rare. At this time, the clinical significance of this variant is uncertain due to the absence of conclusive functional and genetic evidence.

GeneDx
Classification: Uncertain significance. Last evaluated: 2026-01-27. Review status: criteria provided, single submitter. Criteria: GeneDx Variant Classification Process June 2021. Collection method: clinical testing. Allele origin: germline.
Comment: Reported in association with MODY; however, detailed clinical information was not provided (PMID: 23652628, 23348805); Not observed at significant frequency in large population cohorts (gnomAD); In silico analysis suggests that this missense variant does not alter protein structure/function; In silico analysis supports a deleterious effect on splicing; Also known as p.(Asn275Ser); This variant is associated with the following publications: (PMID: 23652628, 23348805)

Labcorp Genetics (formerly Invitae), Labcorp
Classification: Uncertain significance. Last evaluated: 2025-10-25. Review status: criteria provided, single submitter. Criteria: Invitae Variant Classification Sherloc (09022015). Collection method: clinical testing. Allele origin: germline.
Comment: This sequence change replaces asparagine, which is neutral and polar, with serine, which is neutral and polar, at codon 262 of the HNF4A protein (p.Asn262Ser). This variant is not present in population databases (gnomAD no frequency). This missense change has been observed in individual(s) with HNF4A-related conditions (PMID: 23348805). Invitae Evidence Modeling of protein sequence and biophysical properties (such as structural, functional, and spatial information, amino acid conservation, physicochemical variation, residue mobility, and thermodynamic stability) has been performed for this missense variant. However, the output from this modeling did not meet the statistical confidence thresholds required to predict the impact of this variant on HNF4A protein function. Algorithms developed to predict the effect of sequence changes on RNA splicing suggest that this variant may disrupt the consensus splice site. In summary, the available evidence is currently insufficient to determine the role of this variant in disease. Therefore, it has been classified as a Variant of Uncertain Significance.

Literature cited by the submitters: PubMed 23348805 (cited by Labcorp Genetics (formerly Invitae), Labcorp).